The following is an entry in ClinVar:

NM_004336.5(BUB1):c.2253A>C (p.Leu751Phe)

Gene: BUB1 (BUB1 mitotic checkpoint serine/threonine kinase; minus strand). Cytogenetic location: 2q13.
Variant type: single nucleotide variant.
Coding change: c.2253A>C on transcript NM_004336.5 (MANE Select); coding-DNA position 2253, A replaced by C.
Protein change: p.Leu751Phe; replaces leucine 751 with phenylalanine.
Molecular consequence: missense variant.
Genome position (GRCh38, 1-based): chr2:110,649,328, T>G on the plus strand (A>C on the coding strand, the complement: BUB1 is on the minus strand). VCF-style: chr2-110649328-T-G. GRCh37 (hg19) VCF-style: chr2-111406905-T-G.
Other names: c.2193A>C, p.Leu731Phe (NM_001278616.2); c.2253A>C, p.Leu751Phe (NM_001278617.2); short protein forms L731F, L751F.
Identifiers: ClinVar variation 3482983 (VCV003482983.1).

ClinVar aggregate classification (germline): Uncertain significance (1 of 4 stars; one submission).

gnomAD v4.1: 2 of 1,596,858 alleles (0.00013%); highest among the groups gnomAD compares: Non-Finnish European, 0.000085%; no homozygotes.

Submission:

Ambry Genetics
Classification: Uncertain significance. Last evaluated: 2024-08-12. Review status: criteria provided, single submitter. Criteria: Ambry Variant Classification Scheme 2023. Collection method: clinical testing. Allele origin: germline.
Comment: The p.L751F variant (also known as c.2253A>C), located in coding exon 19 of the BUB1 gene, results from an A to C substitution at nucleotide position 2253. The leucine at codon 751 is replaced by phenylalanine, an amino acid with highly similar properties. This amino acid position is conserved. In addition, this alteration is predicted to be tolerated by in silico analysis. Based on the available evidence, the clinical significance of this variant remains unclear.